The following is an entry in ClinVar:

NM_000540.3(RYR1):c.6167A>G (p.Glu2056Gly)

Gene: RYR1 (ryanodine receptor 1; plus strand). Cytogenetic location: 19q13.2.
Variant type: single nucleotide variant.
Coding change: c.6167A>G on transcript NM_000540.3 (MANE Select); coding-DNA position 6167, A replaced by G.
Protein change: p.Glu2056Gly; replaces glutamic acid 2056 with glycine.
Molecular consequence: missense variant.
Genome position (GRCh38, 1-based): chr19:38,492,529, A>G. VCF-style: chr19-38492529-A-G. GRCh37 (hg19) VCF-style: chr19-38983169-A-G.
Other names: c.6167A>G, p.Glu2056Gly (NM_001042723.2); short protein forms E2056G.
Identifiers: ClinVar variation 3070472 (VCV003070472.1), dbSNP rs2514264785, ClinGen allele CA405661997.

ClinVar aggregate classification (germline): Uncertain significance (1 of 4 stars; one submission).

Conditions:
Malignant hyperthermia, susceptibility to, 1 (MHS1). Also called: RYR1-Related Malignant Hyperthermia Susceptibility; Anesthesia related hyperthermia; Malignant hyperpyrexia; Fulminating hyperpyrexia; Pharmacogenic myopathy; Malignant hyperthermia suceptibility 1. Identifiers: Orphanet 423, MedGen C2930980, MONDO:0007783, OMIM 145600.

Submission:

All of Us Research Program, National Institutes of Health
Classification: Uncertain significance for Malignant hyperthermia, susceptibility to, 1. Last evaluated: 2023-04-27. Review status: criteria provided, single submitter. Criteria: ACMG Guidelines, 2015. Collection method: clinical testing. Allele origin: germline. Inheritance: Autosomal dominant inheritance. Observed: 1 variant allele, 1 heterozygote.
Comment: This study involves interpretation of variants in research participants for the purpose of population health screening. Participant phenotype was not available at the time of variant classification. Additional details can be found in publication PMID: 35346344, PMCID: PMC8962531